The following is an entry in ClinVar:

ClinVar aggregate classification (germline): Uncertain significance (1 of 4 stars; one submission).

gnomAD v4.1: 1 of 1,575,254 alleles (0.000063%); highest among the groups gnomAD compares: Non-Finnish European, 0.000086%; no homozygotes.

Submission:

Women's Health and Genetics/Laboratory Corporation of America, LabCorp
Classification: Uncertain significance. Last evaluated: 2025-07-02. Review status: criteria provided, single submitter. Criteria: LabCorp Variant Classification Summary - May 2015. Collection method: clinical testing. Allele origin: germline.
Comment: Variant summary: CACNA1G c.135C>G (p.Asp45Glu) results in a conservative amino acid change in the encoded protein sequence. Algorithms developed to predict the effect of missense changes on protein structure and function are either unavailable or do not agree on the potential impact of this missense change. The variant allele was found at a frequency of 5.6e-06 in 178278 control chromosomes. The available data on variant occurrences in the general population are insufficient to allow any conclusion about variant significance. To our knowledge, no occurrence of c.135C>G in individuals affected with Spinocerebellar Ataxia Type 42 and no experimental evidence demonstrating its impact on protein function have been reported. No submitters have cited clinical-significance assessments for this variant to ClinVar. Based on the evidence outlined above, the variant was classified as uncertain significance.

NM_018896.5(CACNA1G):c.135C>G (p.Asp45Glu)

Genes: CACNA1G-AS1 (CACNA1G antisense RNA 1; minus strand), CACNA1G (calcium voltage-gated channel subunit alpha1 G; plus strand). Cytogenetic location: 17q21.33.
Variant type: single nucleotide variant.
Coding change: c.135C>G on transcript NM_018896.5 (MANE Select); coding-DNA position 135, C replaced by G.
Protein change: p.Asp45Glu; replaces aspartic acid 45 with glutamic acid.
Molecular consequence: missense variant. On other transcripts: non-coding transcript variant (5).
Genome position (GRCh38, 1-based): chr17:50,561,594, C>G. VCF-style: chr17-50561594-C-G. GRCh37 (hg19) VCF-style: chr17-48638955-C-G.
Other names: c.135C>G, p.Asp45Glu (NM_001256330.2, NM_001256331.2, NM_001256332.2 and 24 more transcripts); short protein forms D45E.
Identifiers: ClinVar variation 3911957 (VCV003911957.2).